The following is an entry in ClinVar:

NM_005654.6(NR2F1):c.255G>C (p.Glu85Asp)

Genes: NR2F1 (nuclear receptor subfamily 2 group F member 1; plus strand), NR2F1-AS1 (NR2F1 regulatory antisense RNA 1; minus strand). Cytogenetic location: 5q15.
Variant type: single nucleotide variant.
Coding change: c.255G>C on transcript NM_005654.6 (MANE Select); coding-DNA position 255, G replaced by C.
Protein change: p.Glu85Asp; replaces glutamic acid 85 with aspartic acid.
Molecular consequence: missense variant.
Genome position (GRCh38, 1-based): chr5:93,585,278, G>C. VCF-style: chr5-93585278-G-C. GRCh37 (hg19) VCF-style: chr5-92920984-G-C.
Other names: short protein forms E85D.
Identifiers: ClinVar variation 1469869 (VCV001469869.8), dbSNP rs762719149, ClinGen allele CA360525858.
Genomic context (GRCh38, chr5:93,585,278, plus strand): 5'-CACGGCGGGGGACAAGGGCCAGGGCCCGCCCGGTTCGGGCCAGAGCCAGCAGCACATCGA[G>C]TGCGTGGTGTGCGGGGACAAGTCGAGCGGCAAGCACTACGGCCAATTCACCTGCGAGGGC-3'
Protein context (NP_005645.1, residues 75-95): PGSGQSQQHI[Glu85Asp]CVVCGDKSSG

ClinVar aggregate classification (germline): Uncertain significance (1 of 4 stars; one submission).

Submission:

Labcorp Genetics (formerly Invitae), Labcorp
Classification: Uncertain significance. Last evaluated: 2021-01-04. Review status: criteria provided, single submitter. Criteria: Invitae Variant Classification Sherloc (09022015). Collection method: clinical testing. Allele origin: germline.
Comment: In summary, the available evidence is currently insufficient to determine the role of this variant in disease. Therefore, it has been classified as a Variant of Uncertain Significance. Advanced modeling of protein sequence and biophysical properties (such as structural, functional, and spatial information, amino acid conservation, physicochemical variation, residue mobility, and thermodynamic stability) performed at Invitae indicates that this missense variant is not expected to disrupt NR2F1 protein function. This variant has not been reported in the literature in individuals with NR2F1-related conditions. This variant is not present in population databases (ExAC no frequency). This sequence change replaces glutamic acid with aspartic acid at codon 85 of the NR2F1 protein (p.Glu85Asp). The glutamic acid residue is highly conserved and there is a small physicochemical difference between glutamic acid and aspartic acid.